The following is an entry in ClinVar:

ClinVar aggregate classification (germline): Conflicting classifications of pathogenicity. Review status: criteria provided, conflicting classifications (1 of 4 stars). 5 submissions from 5 submitters: Uncertain significance (4); Likely benign (1). Last evaluated 2026-04-19.

Conditions:
Fanconi anemia (FA). Also called: Fanconi's anemia. Identifiers: Orphanet 84, MedGen C0015625, MeSH D005199, MONDO:0019391.

Allele frequency attached by ClinVar (database versions not stated): ExAC 0.00002; gnomAD exomes 0.00002.
gnomAD v4.1: 29 of 1,614,084 alleles (0.0018%); highest among the groups gnomAD compares: South Asian, 0.0033%; no homozygotes.

Submissions (5):

Dasa
Classification: Uncertain significance. Last evaluated: 2026-04-19. Review status: criteria provided, single submitter. Criteria: DASA Assertion Criteria. Collection method: clinical testing. Allele origin: germline.
Comment: NM_032444.4(SLX4):c.3316G>A (p.Val1106Met) is a missense variant that results in the substitution of valine with methionine. This variant is rare in population databases. Computational prediction algorithms are consistent with a benign effect. The currently available literature and clinical evidence are not sufficient to establish a definitive association between this variant and the reported condition. Therefore, this variant is classified as a variant of uncertain significance.

Labcorp Genetics (formerly Invitae), Labcorp
Classification: Uncertain significance for Fanconi anemia. Last evaluated: 2023-10-13. Review status: criteria provided, single submitter. Criteria: Invitae Variant Classification Sherloc (09022015). Collection method: clinical testing. Allele origin: germline.
Comment: This sequence change replaces valine, which is neutral and non-polar, with methionine, which is neutral and non-polar, at codon 1106 of the SLX4 protein (p.Val1106Met). This variant is present in population databases (rs200057338, gnomAD 0.004%). This variant has not been reported in the literature in individuals affected with SLX4-related conditions. ClinVar contains an entry for this variant (Variation ID: 1319504). Algorithms developed to predict the effect of missense changes on protein structure and function output the following: SIFT: "Not Available"; PolyPhen-2: "Benign"; Align-GVGD: "Not Available". The methionine amino acid residue is found in multiple mammalian species, which suggests that this missense change does not adversely affect protein function. In summary, the available evidence is currently insufficient to determine the role of this variant in disease. Therefore, it has been classified as a Variant of Uncertain Significance.

Institute for Clinical Genetics, University Hospital TU Dresden, University Hospital TU Dresden
Classification: Uncertain significance. Last evaluated: 2021-11-03. Review status: criteria provided, single submitter. Criteria: ACMG Guidelines, 2015. Collection method: clinical testing. Allele origin: germline.

Blueprint Genetics
Classification: Likely benign. Last evaluated: 2021-03-16. Review status: criteria provided, single submitter. Criteria: ACMG Guidelines, 2015. Collection method: clinical testing. Allele origin: germline.

Breakthrough Genomics
Classification: Uncertain significance. Review status: criteria provided, single submitter. Criteria: ACMG Guidelines, 2015. Collection method: not provided. Allele origin: germline. Inheritance: Autosomal recessive inheritance. Affected: yes.

NM_032444.4(SLX4):c.3316G>A (p.Val1106Met)

Gene: SLX4 (SLX4 structure-specific endonuclease subunit; minus strand). Cytogenetic location: 16p13.3.
Variant type: single nucleotide variant.
Coding change: c.3316G>A on transcript NM_032444.4 (MANE Select); coding-DNA position 3316, G replaced by A.
Protein change: p.Val1106Met; replaces valine 1106 with methionine.
Molecular consequence: missense variant.
Genome position (GRCh38, 1-based): chr16:3,590,322, C>T on the plus strand (G>A on the coding strand, the complement: SLX4 is on the minus strand). VCF-style: chr16-3590322-C-T. GRCh37 (hg19) VCF-style: chr16-3640323-C-T.
Other names: short protein forms V1106M.
Identifiers: ClinVar variation 1319504 (VCV001319504.14), dbSNP rs200057338, ClinGen allele CA7865943.